The following is an entry in ClinVar:

NM_020366.4(RPGRIP1):c.1600G>C (p.Val534Leu)

Gene: RPGRIP1 (RPGR interacting protein 1; plus strand). Cytogenetic location: 14q11.2.
Variant type: single nucleotide variant.
Coding change: c.1600G>C on transcript NM_020366.4 (MANE Select); coding-DNA position 1600, G replaced by C.
Protein change: p.Val534Leu; replaces valine 534 with leucine.
Molecular consequence: missense variant.
Genome position (GRCh38, 1-based): chr14:21,321,391, G>C. VCF-style: chr14-21321391-G-C. GRCh37 (hg19) VCF-style: chr14-21789550-G-C.
Other names: c.526G>C, p.Val176Leu (NM_001377523.1, NM_001377948.1, NM_001377949.1 and 1 more transcripts); c.28G>C, p.Val10Leu (NM_001377951.1); short protein forms V176L, V10L, V534L.
Identifiers: ClinVar variation 2134525 (VCV002134525.4), dbSNP rs747826903, ClinGen allele CA388865534.
Genomic context (GRCh38, chr14:21,321,391, plus strand): 5'-GAGACCACATTGGAACTAGAAAAGACCAGGGACATGCTTATTCTGCAGCGCAAAATCAAC[G>C]TGTGTTATCAGGTGCAAGGAAAGATGGTACAGGAAGGGGATGGATAACAGGAACGTGGGA-3'
Protein context (NP_065099.3, residues 524-544): DMLILQRKIN[Val534Leu]CYQEELEAMM

ClinVar aggregate classification (germline): Uncertain significance (1 of 4 stars; one submission).

Conditions:
Leber congenital amaurosis 6 (LCA6). Identifiers: Orphanet 65, MedGen C1854260, MONDO:0013446, OMIM 613826.
Cone-rod dystrophy 13 (CORD13). Identifiers: Orphanet 1872, MedGen C2750720, MONDO:0011987, OMIM 608194.

Submission:

Labcorp Genetics (formerly Invitae), Labcorp
Classification: Uncertain significance for Leber congenital amaurosis 6; Cone-rod dystrophy 13. Last evaluated: 2022-05-09. Review status: criteria provided, single submitter. Criteria: Invitae Variant Classification Sherloc (09022015). Collection method: clinical testing. Allele origin: germline.
Comment: This variant is not present in population databases (gnomAD no frequency). In summary, the available evidence is currently insufficient to determine the role of this variant in disease. Therefore, it has been classified as a Variant of Uncertain Significance. Algorithms developed to predict the effect of missense changes on protein structure and function (SIFT, PolyPhen-2, Align-GVGD) all suggest that this variant is likely to be tolerated. This variant has not been reported in the literature in individuals affected with RPGRIP1-related conditions. This sequence change replaces valine, which is neutral and non-polar, with leucine, which is neutral and non-polar, at codon 534 of the RPGRIP1 protein (p.Val534Leu).